The following is an entry in ClinVar:

NM_001130438.3(SPTAN1):c.1916T>C (p.Ile639Thr)

Gene: SPTAN1 (spectrin alpha, non-erythrocytic 1; plus strand). Cytogenetic location: 9q34.11.
Variant type: single nucleotide variant.
Coding change: c.1916T>C on transcript NM_001130438.3 (MANE Select); coding-DNA position 1916, T replaced by C.
Protein change: p.Ile639Thr; replaces isoleucine 639 with threonine.
Molecular consequence: missense variant.
Genome position (GRCh38, 1-based): chr9:128,583,186, T>C. VCF-style: chr9-128583186-T-C. GRCh37 (hg19) VCF-style: chr9-131345465-T-C.
Other names: c.1916T>C, p.Ile639Thr (NM_001195532.2, NM_001363759.2, NM_001363765.2 and 1 more transcripts); short protein forms I639T.
Identifiers: ClinVar variation 624369 (VCV000624369.54), dbSNP rs1427892796, ClinGen allele CA375055720.

ClinVar aggregate classification (germline): Conflicting classifications of pathogenicity. Review status: criteria provided, conflicting classifications (1 of 4 stars). 4 submissions from 4 submitters: Uncertain significance (3); Likely benign (1). Last evaluated 2026-01-28.

Conditions:
Early-infantile DEE. Also called: Early infantile epileptic encephalopathy; Ohtahara syndrome; Early infantile epileptic encephalopathy with suppression bursts. Identifiers: Orphanet 1934, MedGen C0393706, MONDO:0800491.
Developmental and epileptic encephalopathy, 5 (DEE5). Identifiers: Orphanet 3451, MedGen C3150731, MONDO:0013277, OMIM 613477.

Allele frequency attached by ClinVar (database versions not stated): gnomAD exomes 0.00001 and 0.00004; TOPMed 0.00006; gnomAD 0.00011.
gnomAD v4.1: 37 of 1,614,006 alleles (0.0023%); highest among the groups gnomAD compares: Admixed American, 0.052%; no homozygotes.

Submissions (4):

Labcorp Genetics (formerly Invitae), Labcorp
Classification: Uncertain significance for Early-infantile DEE. Last evaluated: 2026-01-28. Review status: criteria provided, single submitter. Criteria: Invitae Variant Classification Sherloc (09022015). Collection method: clinical testing. Allele origin: germline.
Comment: This sequence change replaces isoleucine, which is neutral and non-polar, with threonine, which is neutral and polar, at codon 639 of the SPTAN1 protein (p.Ile639Thr). This variant is present in population databases (no rsID available, gnomAD 0.03%). This variant has not been reported in the literature in individuals affected with SPTAN1-related conditions. ClinVar contains an entry for this variant (Variation ID: 624369). Invitae Evidence Modeling of protein sequence and biophysical properties (such as structural, functional, and spatial information, amino acid conservation, physicochemical variation, residue mobility, and thermodynamic stability) has been performed for this missense variant. However, the output from this modeling did not meet the statistical confidence thresholds required to predict the impact of this variant on SPTAN1 protein function. In summary, the available evidence is currently insufficient to determine the role of this variant in disease. Therefore, it has been classified as a Variant of Uncertain Significance.

Genome-Nilou Lab
Classification: Uncertain significance for Developmental and epileptic encephalopathy, 5. Last evaluated: 2021-07-15. Review status: criteria provided, single submitter. Criteria: ACMG Guidelines, 2015. Collection method: clinical testing. Allele origin: germline. Affected: no.

Blueprint Genetics
Classification: Likely benign. Last evaluated: 2018-10-17. Review status: criteria provided, single submitter. Criteria: ACMG Guidelines, 2015. Collection method: clinical testing. Allele origin: germline.

CeGaT Center for Human Genetics Tuebingen
Classification: Uncertain significance. Last evaluated: 2018-08-01. Review status: criteria provided, single submitter. Criteria: CeGaT Center For Human Genetics Tuebingen Variant Classification Criteria Version 2. Collection method: clinical testing. Allele origin: germline. Affected: yes. Observed: 1 variant allele.